The following is an entry in ClinVar:

NM_024685.4(BBS10):c.1308C>G (p.Thr436=)

Gene: BBS10 (Bardet-Biedl syndrome 10; minus strand). Cytogenetic location: 12q21.2.
Variant type: single nucleotide variant.
Coding change: c.1308C>G on transcript NM_024685.4 (MANE Select); coding-DNA position 1308, C replaced by G.
Protein change: p.Thr436=; no amino-acid change (threonine 436 retained).
Molecular consequence: synonymous variant.
Genome position (GRCh38, 1-based): chr12:76,346,677, G>C on the plus strand (C>G on the coding strand, the complement: BBS10 is on the minus strand). VCF-style: chr12-76346677-G-C. GRCh37 (hg19) VCF-style: chr12-76740457-G-C.
Other names: c.1308C>G (NM_024685.3).
Identifiers: ClinVar variation 2910031 (VCV002910031.4), dbSNP rs1951761390, ClinGen allele CA481011128.

ClinVar aggregate classification (germline): Likely benign. Review status: criteria provided, multiple submitters, no conflicts (2 of 4 stars). 2 submissions from 2 submitters: Likely benign (2). Last evaluated 2025-07-11.

Conditions:
Bardet-Biedl syndrome (BBS). Identifiers: Orphanet 110, MedGen C0752166, MONDO:0015229.
BBS10-related disorder. Also called: BBS10-related condition.

Allele frequency attached by ClinVar (database versions not stated): gnomAD exomes below 0.00001; gnomAD 0.00001.
gnomAD v4.1: 2 of 1,613,928 alleles (0.00012%); highest among the groups gnomAD compares: Admixed American, 0.0017%; no homozygotes.

Submissions (2):

PreventionGenetics, part of Exact Sciences
Classification: Likely benign for BBS10-related condition. Last evaluated: 2025-07-11. Review status: criteria provided, single submitter. Criteria: ACMG Guidelines, 2015. Collection method: clinical testing. Allele origin: germline.
Comment: This variant is classified as likely benign based on ACMG/AMP sequence variant interpretation guidelines (Richards et al. 2015 PMID: 25741868, with internal and published modifications).

Labcorp Genetics (formerly Invitae), Labcorp
Classification: Likely benign for Bardet-Biedl syndrome. Last evaluated: 2023-12-05. Review status: criteria provided, single submitter. Criteria: Invitae Variant Classification Sherloc (09022015). Collection method: clinical testing. Allele origin: germline.